The following is an entry in ClinVar:

ClinVar aggregate classification (germline): Pathogenic/Likely pathogenic. Review status: criteria provided, multiple submitters, no conflicts (2 of 4 stars). 5 submissions from 5 submitters: Pathogenic (3); Likely pathogenic (2). Last evaluated 2026-09-17.

Conditions:
Inborn genetic diseases. Identifiers: MedGen C0950123, MeSH D030342.
Propionic acidemia (PROP). Also called: GLYCINEMIA, KETOTIC; HYPERGLYCINEMIA WITH KETOACIDOSIS AND LEUKOPENIA; KETOTIC HYPERGLYCINEMIA. Identifiers: Orphanet 35, MedGen C0268579, MONDO:0011628, OMIM 606054, HP:0003571.
PCCA-related disorder. Also called: PCCA-related condition.

Submissions (5):

PreventionGenetics, part of Exact Sciences
Classification: Pathogenic for PCCA-related condition. Last evaluated: 2026-09-17. Review status: criteria provided, single submitter. Criteria: ACMG Guidelines, 2015. Collection method: clinical testing. Allele origin: germline.
Comment: The PCCA c.866_867delAG variant is predicted to result in a frameshift and premature protein termination (p.Glu289Valfs*53). This variant has been reported along with a second PCCA variant in at least two individuals with propionic acidemia (Vela-Amieva et al. 2026. PubMed ID: 42021870). It is reported in 0.0056% of alleles in individuals of Latino descent in gnomAD and is interpreted as likely pathogenic/pathogenic in ClinVar (Variation ID: 663694). Frameshift variants in PCCA are expected to be pathogenic. This variant is interpreted as pathogenic.

Labcorp Genetics (formerly Invitae), Labcorp
Classification: Pathogenic for Propionic acidemia. Last evaluated: 2025-12-23. Review status: criteria provided, single submitter. Criteria: Invitae Variant Classification Sherloc (09022015). Collection method: clinical testing. Allele origin: germline.
Comment: This sequence change creates a premature translational stop signal (p.Glu289Valfs*53) in the PCCA gene. It is expected to result in an absent or disrupted protein product. Loss-of-function variants in PCCA are known to be pathogenic (PMID: 15464417). This variant is present in population databases (rs760976198, gnomAD 0.006%). This variant has not been reported in the literature in individuals affected with PCCA-related conditions. For these reasons, this variant has been classified as Pathogenic.

Natera, Inc.
Classification: Likely pathogenic for Propionic acidemia. Last evaluated: 2025-01-31. Review status: criteria provided, single submitter. Criteria: Natera Variant Classification Schema (03/2026). Collection method: clinical testing. Allele origin: germline.
Comment: The c.866_867delAG variant in PCCA is a frameshift variant predicted to shift the reading frame beginning at codon 289 and leads to a stop codon 53 codons downstream. This variant is expected to result in nonsense mediated decay, truncation, or a dysfunctional protein product. This variant is rare in the general population with a frequency below the threshold expected for the associated phenotype(s). Given the available evidence, this variant is classified as Likely Pathogenic.

Ambry Genetics
Classification: Pathogenic for Inborn genetic diseases. Last evaluated: 2024-05-22. Review status: criteria provided, single submitter. Criteria: Ambry Variant Classification Scheme 2023. Collection method: clinical testing. Allele origin: germline.
Comment: The c.866_867delAG (p.E289Vfs*53) alteration, located in exon 11 (coding exon 11) of the PCCA gene, consists of a deletion of 2 nucleotides from position 866 to 867, causing a translational frameshift with a predicted alternate stop codon after 53 amino acids. This alteration is expected to result in loss of function by premature protein truncation or nonsense-mediated mRNA decay. Based on data from the Genome Aggregation Database (gnomAD) database, the PCCA c.866_867delAG alteration was observed in 0.0011% (3/282,754) of total alleles studied, with a frequency of 0.0056% (2/35,438) in the Latino subpopulation. Based on the available evidence, this alteration is classified as pathogenic.

Neuberg Centre For Genomic Medicine, NCGM
Classification: Likely pathogenic for Propionic acidemia. Last evaluated: 2023-06-22. Review status: criteria provided, single submitter. Criteria: ACMG Guidelines, 2015. Collection method: clinical testing. Allele origin: germline. Inheritance: Autosomal recessive inheritance. Affected: yes.
Comment: The frameshift variant c.866_867del(p.Glu289ValfsTer53) in PCCA gene has not been reported previously as a pathogenic variant nor as a benign variant, to our knowledge. The p.Lys1717AsnfsTer8 variant is present with allele frequency of 0.0008% in gnomAD Exomes. This variant has been submitted to the ClinVar database as Pathogenic. This variant causes a frameshift starting with codon Glutamic Acid 289, changes this amino acid to Valine residue, and creates a premature Stop codon at position 53 of the new reading frame, denoted p.Glu289ValfsTer53. This variant is predicted to cause loss of normal protein function through protein truncation. Loss of function variants have been previously reported to be disease causing (Desviat LR et al 2004). However, additonal functional studies will be required to confirm the pathogenicity of the variant. For these reasons, this variant has been classified as Likely Pathogenic.

Literature cited by the submitters: PubMed 15464417 (cited by Labcorp Genetics (formerly Invitae), Labcorp).

NM_000282.4(PCCA):c.866_867del (p.Glu289fs)

Gene: PCCA (propionyl-CoA carboxylase subunit alpha; plus strand). Cytogenetic location: 13q32.3.
Variant type: Microsatellite.
Coding change: c.866_867del on transcript NM_000282.4 (MANE Select); coding-DNA positions 866 to 867, 2 bases deleted (AG; older notation c.866_867delAG).
Protein change: p.Glu289fs; shifts the reading frame from glutamic acid 289.
Molecular consequence: frameshift variant. On other transcripts: 5 prime UTR variant (3), non-coding transcript variant (5).
Genome position (GRCh38, 1-based): chr13:100,268,735-100,268,736, AG deleted; deleting any 2 consecutive bases within chr13:100,268,731-100,268,736 gives the same sequence; the c. name uses the placement nearest the transcript's 3' end. VCF-style (leftmost placement, unchanged base first): chr13-100268730-AAG-A. GRCh37 (hg19) VCF-style: chr13-100920984-AAG-A.
Other names: c.788_789del, p.Glu263fs (NM_001127692.3, NM_001352607.2, NM_001352608.2); c.866_867del, p.Glu289fs (NM_001178004.2, NM_001352605.2, NM_001352606.2 and 1 more transcripts); c.-84AG[2] (NM_001352610.2, NM_001352611.2, NM_001352612.2); short protein forms E263fs, E289fs.
Identifiers: ClinVar variation 663694 (VCV000663694.15), dbSNP rs760976198, ClinGen allele CA7033420.